The following is an entry in ClinVar:

NM_018052.5(VAC14):c.1312C>T (p.Arg438Trp)

Genes: VAC14 (VAC14 component of PIKFYVE complex; minus strand), VAC14-AS1 (VAC14 antisense RNA 1; plus strand). Cytogenetic location: 16q22.1.
Variant type: single nucleotide variant.
Coding change: c.1312C>T on transcript NM_018052.5 (MANE Select); coding-DNA position 1312, C replaced by T.
Protein change: p.Arg438Trp; replaces arginine 438 with tryptophan.
Molecular consequence: missense variant.
Genome position (GRCh38, 1-based): chr16:70,762,599, G>A on the plus strand (C>T on the coding strand, the complement: VAC14 is on the minus strand). VCF-style: chr16-70762599-G-A. GRCh37 (hg19) VCF-style: chr16-70796502-G-A.
Other names: c.610C>T, p.Arg204Trp (NM_001351157.2); c.1312C>T (NM_018052.3); short protein forms R204W, R438W.
Identifiers: ClinVar variation 1495997 (VCV001495997.4), dbSNP rs142411323, ClinGen allele CA8147719.

ClinVar aggregate classification (germline): Uncertain significance. Review status: criteria provided, multiple submitters, no conflicts (2 of 4 stars). 2 submissions from 2 submitters: Uncertain significance (2). Last evaluated 2022-08-16.

Conditions:
Inborn genetic diseases. Identifiers: MedGen C0950123, MeSH D030342.

Allele frequency attached by ClinVar (database versions not stated): gnomAD 0.00004; gnomAD exomes 0.00004 and 0.00014; TOPMed 0.00006; ESP Exome Variant Server 0.00008; ExAC 0.00012.
gnomAD v4.1: 69 of 1,613,832 alleles (0.0043%); highest among the groups gnomAD compares: Admixed American, 0.057%; no homozygotes.

Submissions (2):

Labcorp Genetics (formerly Invitae), Labcorp
Classification: Uncertain significance. Last evaluated: 2022-08-16. Review status: criteria provided, single submitter. Criteria: Invitae Variant Classification Sherloc (09022015). Collection method: clinical testing. Allele origin: germline.
Comment: This sequence change replaces arginine, which is basic and polar, with tryptophan, which is neutral and slightly polar, at codon 438 of the VAC14 protein (p.Arg438Trp). This variant is present in population databases (rs142411323, gnomAD 0.08%). This variant has not been reported in the literature in individuals affected with VAC14-related conditions. ClinVar contains an entry for this variant (Variation ID: 1495997). Algorithms developed to predict the effect of missense changes on protein structure and function are either unavailable or do not agree on the potential impact of this missense change (SIFT: "Deleterious"; PolyPhen-2: "Possibly Damaging"; Align-GVGD: "Class C0"). In summary, the available evidence is currently insufficient to determine the role of this variant in disease. Therefore, it has been classified as a Variant of Uncertain Significance.

Ambry Genetics
Classification: Uncertain significance for Inborn genetic diseases. Last evaluated: 2021-07-15. Review status: criteria provided, single submitter. Criteria: Ambry Variant Classification Scheme 2023. Collection method: clinical testing. Allele origin: germline.